The following is an entry in ClinVar:

ClinVar aggregate classification (germline): Conflicting classifications of pathogenicity. Review status: criteria provided, conflicting classifications (1 of 4 stars). 3 submissions from 3 submitters: Uncertain significance (2); Likely benign (1). Last evaluated 2025-05-28.

Conditions:
Cardiovascular phenotype. Identifiers: MedGen CN230736.
Hereditary cancer-predisposing syndrome. Also called: Neoplastic Syndromes, Hereditary; Hereditary neoplastic syndrome; Hereditary Cancer Syndrome; Tumor predisposition. Identifiers: Orphanet 140162, MedGen C0027672, MeSH D009386, MONDO:0015356.
Neurofibromatosis, type 1 (NF1). Also called: VON RECKLINGHAUSEN DISEASE; NEUROFIBROMATOSIS, TYPE I, SOMATIC; Peripheral type neurofibromatosis; Neurofibromatosis, type I. Identifiers: Orphanet 636, MedGen C0027831, MONDO:0018975, OMIM 162200. Disease mechanism: loss of function.

Allele frequency attached by ClinVar (database versions not stated): gnomAD exomes below 0.00001; ExAC 0.00001; gnomAD 0.00001; 1000 Genomes Project 30x 0.00016; 1000 Genomes Project 0.00020.
gnomAD v4.1: 3 of 1,613,700 alleles (0.00019%); highest among the groups gnomAD compares: Middle Eastern, 0.017%; no homozygotes.

Submissions (3):

Ambry Genetics
Classification: Likely benign for Cardiovascular phenotype; Hereditary cancer-predisposing syndrome. Last evaluated: 2025-05-28. Review status: criteria provided, single submitter. Criteria: Ambry Variant Classification Scheme 2023. Collection method: clinical testing. Allele origin: germline.

Labcorp Genetics (formerly Invitae), Labcorp
Classification: Uncertain significance for Neurofibromatosis, type 1. Last evaluated: 2023-07-30. Review status: criteria provided, single submitter. Criteria: Invitae Variant Classification Sherloc (09022015). Collection method: clinical testing. Allele origin: germline.
Comment: This sequence change affects codon 1456 of the NF1 mRNA. It is a 'silent' change, meaning that it does not change the encoded amino acid sequence of the NF1 protein. It affects a nucleotide within the consensus splice site. This variant is present in population databases (rs181462219, gnomAD 0.0009%). This variant has not been reported in the literature in individuals affected with NF1-related conditions. This variant has been observed to co-occur in individuals with a different variant in NF1 that has been determined to be pathogenic (Invitae), but the significance of this finding is unclear. ClinVar contains an entry for this variant (Variation ID: 656349). Algorithms developed to predict the effect of sequence changes on RNA splicing suggest that this variant may disrupt the consensus splice site. In summary, the available evidence is currently insufficient to determine the role of this variant in disease. Therefore, it has been classified as a Variant of Uncertain Significance.

Breakthrough Genomics
Classification: Uncertain significance. Review status: criteria provided, single submitter. Criteria: ACMG Guidelines, 2015. Collection method: not provided. Allele origin: germline. Inheritance: Autosomal dominant inheritance. Affected: yes.

NM_001042492.3(NF1):c.4431G>A (p.Arg1477=)

Gene: NF1 (neurofibromin 1; plus strand). Cytogenetic location: 17q11.2.
Variant type: single nucleotide variant.
Coding change: c.4431G>A on transcript NM_001042492.3 (MANE Select); coding-DNA position 4431, G replaced by A.
Protein change: p.Arg1477=; no amino-acid change (arginine 1477 retained).
Molecular consequence: synonymous variant.
Genome position (GRCh38, 1-based): chr17:31,260,369, G>A. VCF-style: chr17-31260369-G-A. GRCh37 (hg19) VCF-style: chr17-29587387-G-A.
Other names: c.4368G>A, p.Arg1456= (NM_000267.4).
Identifiers: ClinVar variation 656349 (VCV000656349.12), dbSNP rs181462219, ClinGen allele CA8486421.